The following is an entry in ClinVar:

NM_022095.4(ZNF335):c.662C>T (p.Pro221Leu)

Gene: ZNF335 (zinc finger protein 335; minus strand). Cytogenetic location: 20q13.12.
Variant type: single nucleotide variant.
Coding change: c.662C>T on transcript NM_022095.4 (MANE Select); coding-DNA position 662, C replaced by T.
Protein change: p.Pro221Leu; replaces proline 221 with leucine.
Molecular consequence: missense variant.
Genome position (GRCh38, 1-based): chr20:45,967,886, G>A on the plus strand (C>T on the coding strand, the complement: ZNF335 is on the minus strand). VCF-style: chr20-45967886-G-A. GRCh37 (hg19) VCF-style: chr20-44596525-G-A.
Other names: c.662C>T (NM_022095.3); short protein forms P221L.
Identifiers: ClinVar variation 1370985 (VCV001370985.7), dbSNP rs200396801, ClinGen allele CA9886011.

ClinVar aggregate classification (germline): Uncertain significance. Review status: criteria provided, multiple submitters, no conflicts (2 of 4 stars). 2 submissions from 2 submitters: Uncertain significance (2). Last evaluated 2025-10-18.

Conditions:
Inborn genetic diseases. Identifiers: MedGen C0950123, MeSH D030342.

Allele frequency attached by ClinVar (database versions not stated): gnomAD 0.00001; TOPMed 0.00001; ExAC 0.00002; gnomAD exomes 0.00002 and 0.00004.

Submissions (2):

Ambry Genetics
Classification: Uncertain significance for Inborn genetic diseases. Last evaluated: 2025-10-18. Review status: criteria provided, single submitter. Criteria: Ambry Variant Classification Scheme 2023. Collection method: clinical testing. Allele origin: germline.

Labcorp Genetics (formerly Invitae), Labcorp
Classification: Uncertain significance. Last evaluated: 2025-10-03. Review status: criteria provided, single submitter. Criteria: Invitae Variant Classification Sherloc (09022015). Collection method: clinical testing. Allele origin: germline.
Comment: This sequence change replaces proline, which is neutral and non-polar, with leucine, which is neutral and non-polar, at codon 221 of the ZNF335 protein (p.Pro221Leu). This variant is present in population databases (rs200396801, gnomAD 0.009%). This variant has not been reported in the literature in individuals affected with ZNF335-related conditions. ClinVar contains an entry for this variant (Variation ID: 1370985). Invitae Evidence Modeling of protein sequence and biophysical properties (such as structural, functional, and spatial information, amino acid conservation, physicochemical variation, residue mobility, and thermodynamic stability) indicates that this missense variant is not expected to disrupt ZNF335 protein function with a negative predictive value of 80%. In summary, the available evidence is currently insufficient to determine the role of this variant in disease. Therefore, it has been classified as a Variant of Uncertain Significance.